The following is an entry in ClinVar:

NM_000548.5(TSC2):c.3341C>T (p.Ser1114Phe)

Gene: TSC2 (TSC complex subunit 2; plus strand). Cytogenetic location: 16p13.3.
Variant type: single nucleotide variant.
Coding change: c.3341C>T on transcript NM_000548.5 (MANE Select); coding-DNA position 3341, C replaced by T.
Protein change: p.Ser1114Phe; replaces serine 1114 with phenylalanine.
Molecular consequence: missense variant. On other transcripts: non-coding transcript variant (5).
Genome position (GRCh38, 1-based): chr16:2,079,613, C>T. VCF-style: chr16-2079613-C-T. GRCh37 (hg19) VCF-style: chr16-2129614-C-T.
Other names: c.3209C>T, p.Ser1070Phe (NM_001077183.3, NM_001370404.1, NM_001406665.1); c.3341C>T, p.Ser1114Phe (NM_001114382.3); c.3101C>T, p.Ser1034Phe (NM_001318827.2); c.3065C>T, p.Ser1022Phe (NM_001318829.2); c.2609C>T, p.Ser870Phe (NM_001318831.2, NM_001406688.1, NM_001406687.1); c.3242C>T, p.Ser1081Phe (NM_001318832.2); c.3212C>T, p.Ser1071Phe (NM_001363528.2, NM_001370405.1, NM_021055.3); c.3338C>T, p.Ser1113Phe (NM_001406663.1, NM_001406664.1); and 18 more; short protein forms S1021F, S1022F, S1033F, S1034F, S1051F, S1064F, S1065F, S1066F.
Identifiers: ClinVar variation 3071287 (VCV003071287.5), dbSNP rs2151446048, ClinGen allele CA394286628.
Genomic context (GRCh38, chr16:2,079,613, plus strand): 5'-TCAGCTCCAGCCCCGGGGTGCATGTGAGACAGACCAAGGAGGCGCCGGCCAAGCTGGAGT[C>T]CCAGGCTGGGCAGCAGGTGTCCCGTGGGGCCCGGGATCGGGTCCGTTCCATGTCGGGTGA-3'
Protein context (NP_000539.2, residues 1104-1124): QTKEAPAKLE[Ser1114Phe]QAGQQVSRGA

ClinVar aggregate classification (germline): Uncertain significance. Review status: criteria provided, multiple submitters, no conflicts (2 of 4 stars). 4 submissions from 4 submitters: Uncertain significance (4). Last evaluated 2024-06-11.

Conditions:
Tuberous sclerosis syndrome (TSC). Also called: Tuberous Sclerosis Complex; Tuberous sclerosis. Identifiers: Orphanet 805, MedGen C0041341, MONDO:0001734.
Intellectual disability. Also called: Intellectual developmental disorder; Intellectual functioning disability; intellectual disabilities. Identifiers: MedGen C3714756, MeSH D008607, MONDO:0001071, HP:0001249.
Hereditary cancer-predisposing syndrome. Also called: Neoplastic Syndromes, Hereditary; Tumor predisposition; Hereditary Cancer Syndrome; Hereditary neoplastic syndrome. Identifiers: Orphanet 140162, MedGen C0027672, MeSH D009386, MONDO:0015356.

Submissions (4):

All of Us Research Program, National Institutes of Health
Classification: Uncertain significance for Tuberous sclerosis syndrome. Last evaluated: 2024-06-11. Review status: criteria provided, single submitter. Criteria: ACMG Guidelines, 2015. Collection method: clinical testing. Allele origin: germline. Inheritance: Autosomal dominant inheritance. Observed: 2 variant alleles, 2 heterozygotes.
Comment: This study involves interpretation of variants in research participants for the purpose of population health screening. Participant phenotype was not available at the time of variant classification. Additional details can be found in publication PMID: 35346344, PMCID: PMC8962531

Ambry Genetics
Classification: Uncertain significance for Hereditary cancer-predisposing syndrome. Last evaluated: 2024-01-20. Review status: criteria provided, single submitter. Criteria: Ambry Variant Classification Scheme 2023. Collection method: clinical testing. Allele origin: germline.
Comment: The p.S1114F variant (also known as c.3341C>T), located in coding exon 28 of the TSC2 gene, results from a C to T substitution at nucleotide position 3341. The serine at codon 1114 is replaced by phenylalanine, an amino acid with highly dissimilar properties. This amino acid position is conserved. In addition, this alteration is predicted to be deleterious by in silico analysis. Based on the available evidence, the clinical significance of this alteration remains unclear.

GeneDx
Classification: Uncertain significance. Last evaluated: 2023-05-26. Review status: criteria provided, single submitter. Criteria: GeneDx Variant Classification Process June 2021. Collection method: clinical testing. Allele origin: germline. Affected: yes.
Comment: Not observed at significant frequency in large population cohorts (gnomAD); In silico analysis supports that this missense variant has a deleterious effect on protein structure/function; Has not been previously published as pathogenic or benign to our knowledge

Cambridge Genomics Laboratory, East Genomic Laboratory Hub, NHS Genomic Medicine Service
Classification: Uncertain significance for Intellectual disability. Last evaluated: 2019-11-08. Review status: criteria provided, single submitter. Criteria: ACGS Best Practice Guidelines for Variant Classification in Rare Disease 2020. Collection method: clinical testing. Allele origin: germline. Affected: yes. Observed: 1 variant allele.